The following is an entry in ClinVar:

ClinVar aggregate classification (germline): Uncertain significance. Review status: criteria provided, multiple submitters, no conflicts (2 of 4 stars). 3 submissions from 3 submitters: Uncertain significance (3). Last evaluated 2026-07-06.

Conditions:
Hereditary cancer-predisposing syndrome. Also called: Neoplastic Syndromes, Hereditary; Tumor predisposition; Hereditary Cancer Syndrome; Hereditary neoplastic syndrome. Identifiers: Orphanet 140162, MedGen C0027672, MeSH D009386, MONDO:0015356.

gnomAD v4.1: 1 of 1,613,948 alleles (0.000062%); highest among the groups gnomAD compares: African/African-American, 0.0013%; no homozygotes.

Submissions (3):

Ambry Genetics
Classification: Uncertain significance for Hereditary cancer-predisposing syndrome. Last evaluated: 2026-07-06. Review status: criteria provided, single submitter. Criteria: Ambry Variant Classification Scheme 2023. Collection method: clinical testing. Allele origin: germline.
Comment: The p.N178S variant (also known as c.533A>G), located in coding exon 4 of the FH gene, results from an A to G substitution at nucleotide position 533. The asparagine at codon 178 is replaced by serine, an amino acid with highly similar properties. This amino acid position is conserved. In addition, this alteration is predicted to be deleterious by in silico analysis. Based on the available evidence, the clinical significance of this variant remains unclear.

Labcorp Genetics (formerly Invitae), Labcorp
Classification: Uncertain significance. Last evaluated: 2025-09-13. Review status: criteria provided, single submitter. Criteria: Invitae Variant Classification Sherloc (09022015). Collection method: clinical testing. Allele origin: germline.
Comment: This sequence change replaces asparagine, which is neutral and polar, with serine, which is neutral and polar, at codon 178 of the FH protein (p.Asn178Ser). This variant is not present in population databases (gnomAD no frequency). This variant has not been reported in the literature in individuals affected with FH-related conditions. ClinVar contains an entry for this variant (Variation ID: 1314154). Invitae Evidence Modeling of protein sequence and biophysical properties (such as structural, functional, and spatial information, amino acid conservation, physicochemical variation, residue mobility, and thermodynamic stability) indicates that this missense variant is expected to disrupt FH protein function with a positive predictive value of 95%. In summary, the available evidence is currently insufficient to determine the role of this variant in disease. Therefore, it has been classified as a Variant of Uncertain Significance.

GeneDx
Classification: Uncertain significance. Last evaluated: 2021-02-23. Review status: criteria provided, single submitter. Criteria: GeneDx Variant Classification Process June 2021. Collection method: clinical testing. Allele origin: germline. Affected: yes.
Comment: Not observed in large population cohorts (Lek 2016); In silico analysis supports that this missense variant has a deleterious effect on protein structure/function; Has not been previously published as pathogenic or benign to our knowledge; Also known as p. Asn135Ser

NM_000143.4(FH):c.533A>G (p.Asn178Ser)

Gene: FH (fumarate hydratase; minus strand). Cytogenetic location: 1q43.
Variant type: single nucleotide variant.
Coding change: c.533A>G on transcript NM_000143.4 (MANE Select); coding-DNA position 533, A replaced by G.
Protein change: p.Asn178Ser; replaces asparagine 178 with serine.
Molecular consequence: missense variant.
Genome position (GRCh38, 1-based): chr1:241,511,989, T>C on the plus strand (A>G on the coding strand, the complement: FH is on the minus strand). VCF-style: chr1-241511989-T-C. GRCh37 (hg19) VCF-style: chr1-241675289-T-C.
Other names: short protein forms N178S.
Identifiers: ClinVar variation 1314154 (VCV001314154.4), dbSNP rs2147921789, ClinGen allele CA345439891.
Genomic context (GRCh38, chr1:241,511,989, plus strand): 5'-AATTTATAACCAAAAAACAGCAAAGCTCACATACTGACCTGGCTTTTATTAACATGATCG[T>C]TGGGATGCACAGGTATCTTGCTGCCAAGTTCACCTCCTAACATTTCAATTGCTCTATTGC-3'
Protein context (NP_000134.2, residues 168-188): ELGSKIPVHP[Asn178Ser]DHVNKSQSSN